The following is an entry in ClinVar:

NM_020366.4(RPGRIP1):c.3632T>A (p.Val1211Glu)

Gene: RPGRIP1 (RPGR interacting protein 1; plus strand). Cytogenetic location: 14q11.2.
Variant type: single nucleotide variant.
Coding change: c.3632T>A on transcript NM_020366.4 (MANE Select); coding-DNA position 3632, T replaced by A.
Protein change: p.Val1211Glu; replaces valine 1211 with glutamic acid.
Molecular consequence: missense variant.
Genome position (GRCh38, 1-based): chr14:21,348,186, T>A. VCF-style: chr14-21348186-T-A. GRCh37 (hg19) VCF-style: chr14-21816345-T-A.
Other names: c.1610T>A, p.Val537Glu (NM_001377523.1, NM_001377950.1); c.2558T>A, p.Val853Glu (NM_001377948.1); c.1718T>A, p.Val573Glu (NM_001377949.1); c.1115T>A, p.Val372Glu (NM_001377951.1); short protein forms V1211E, V372E, V537E, V573E, V853E.
Identifiers: ClinVar variation 3375297 (VCV003375297.1).

ClinVar aggregate classification (germline): Uncertain significance (1 of 4 stars; one submission).

gnomAD v4.1: 2 of 1,582,204 alleles (0.00013%); highest among the groups gnomAD compares: Middle Eastern, 0.017%; no homozygotes.

Submission:

Women's Health and Genetics/Laboratory Corporation of America, LabCorp
Classification: Uncertain significance. Last evaluated: 2024-09-30. Review status: criteria provided, single submitter. Criteria: LabCorp Variant Classification Summary - May 2015. Collection method: clinical testing. Allele origin: germline.
Comment: Variant summary: RPGRIP1 c.3632T>A (p.Val1211Glu) results in a non-conservative amino acid change located in the RPGRIP1, C-terminal domain (IPR041091) of the encoded protein sequence. Five of five in-silico tools predict a damaging effect of the variant on protein function. The variant was absent in 206806 control chromosomes. c.3632T>A has been reported in the literature in at least one homozygous individual affected with Leber Congenital Amaurosis (e.g. Jacobson_2007, Walia_2010). These data indicate that the variant may be associated with disease. To our knowledge, no experimental evidence demonstrating an impact on protein function has been reported. The following publications have been ascertained in the context of this evaluation (PMID: 17306875, 20079931). No submitters have cited clinical-significance assessments for this variant to ClinVar. Based on the evidence outlined above, the variant was classified as VUS-possibly pathogenic.

Literature cited by the submitters: PubMed 20079931; PubMed 17306875.